The following is an entry in ClinVar:

ClinVar aggregate classification (germline): Uncertain significance. Review status: criteria provided, multiple submitters, no conflicts (2 of 4 stars). 4 submissions from 3 submitters: Uncertain significance (3). 1 of the submissions does not count toward it. Last evaluated 2023-12-18.

Allele frequency attached by ClinVar (database versions not stated): gnomAD exomes below 0.00001; TOPMed below 0.00001; gnomAD 0.00001.
gnomAD v4.1: 5 of 1,614,074 alleles (0.00031%); highest among the groups gnomAD compares: South Asian, 0.0011%; no homozygotes.

Submissions (4):

Blueprint Genetics
Classification: Uncertain significance. Last evaluated: 2023-12-18. Review status: criteria provided, single submitter. Criteria: ACMG Guidelines, 2015. Collection method: clinical testing. Allele origin: germline.

Labcorp Genetics (formerly Invitae), Labcorp
Classification: Uncertain significance. Last evaluated: 2023-09-22. Review status: criteria provided, single submitter. Criteria: Invitae Variant Classification Sherloc (09022015). Collection method: clinical testing. Allele origin: germline.
Comment: Experimental studies and prediction algorithms are not available or were not evaluated, and the functional significance of this variant is currently unknown. This sequence change replaces glycine, which is neutral and non-polar, with glutamic acid, which is acidic and polar, at codon 1463 of the COL4A1 protein (p.Gly1463Glu). This variant is not present in population databases (gnomAD no frequency). This variant has not been reported in the literature in individuals affected with COL4A1-related conditions. ClinVar contains an entry for this variant (Variation ID: 373519). In summary, the available evidence is currently insufficient to determine the role of this variant in disease. Therefore, it has been classified as a Variant of Uncertain Significance.

GeneDx
Classification: Uncertain significance. Last evaluated: 2020-06-17. Review status: criteria provided, single submitter. Criteria: GeneDx Variant Classification Process June 2021. Collection method: clinical testing. Allele origin: germline. Affected: yes.
Comment: Not observed in large population cohorts (Lek et al., 2016); In silico analysis supports that this missense variant has a deleterious effect on protein structure/function; Has not been previously published as pathogenic or benign to our knowledge

GeneDx
Classification: Uncertain significance. Last evaluated: 2016-12-02. Review status: flagged submission. Criteria: GeneDx Variant Classification (06012015). Collection method: clinical testing. Allele origin: germline. Affected: yes. Not counted in ClinVar's aggregate classification.
Comment: The G1463E variant in the COL4A1 gene has not been reported previously as a pathogenic variant, nor as a benign variant, to our knowledge. The G1463E variant was not observed in approximately 6,500 individuals of European and African American ancestry in the NHLBI Exome Sequencing Project, indicating it is not a common benign variant in these populations. The G1463E variant is a non-conservative amino acid substitution, which is likely to impact secondary protein structure as these residues differ in polarity, charge, size and/or other properties. This substitution occurs at a position that is conserved across species. In silico analysis predicts this variant is probably damaging to the protein structure/function. We interpret G1463E as a variant of uncertain significance.
ClinVar note: Reason: This record appears to be redundant with a more recent record from the same submitter.
ClinVar note: Notes: SCV000492117 appears to be redundant with SCV001802806.

NM_001845.6(COL4A1):c.4388G>A (p.Gly1463Glu)

Gene: COL4A1 (collagen type IV alpha 1 chain; minus strand). Cytogenetic location: 13q34.
Variant type: single nucleotide variant.
Coding change: c.4388G>A on transcript NM_001845.6 (MANE Select); coding-DNA position 4388, G replaced by A.
Protein change: p.Gly1463Glu; replaces glycine 1463 with glutamic acid.
Molecular consequence: missense variant.
Genome position (GRCh38, 1-based): chr13:110,162,304, C>T on the plus strand (G>A on the coding strand, the complement: COL4A1 is on the minus strand). VCF-style: chr13-110162304-C-T. GRCh37 (hg19) VCF-style: chr13-110814651-C-T.
Other names: short protein forms G1463E.
Identifiers: ClinVar variation 373519 (VCV000373519.12), dbSNP rs1057518459, ClinGen allele CA16042902.